The following is an entry in ClinVar:

ClinVar aggregate classification (germline): Uncertain significance (1 of 4 stars; one submission).

gnomAD v4.1: 1 of 1,550,322 alleles (0.000065%); highest among the groups gnomAD compares: South Asian, 0.0012%; no homozygotes.

Submission:

Labcorp Genetics (formerly Invitae), Labcorp
Classification: Uncertain significance. Last evaluated: 2023-04-27. Review status: criteria provided, single submitter. Criteria: Invitae Variant Classification Sherloc (09022015). Collection method: clinical testing. Allele origin: germline.
Comment: In summary, the available evidence is currently insufficient to determine the role of this variant in disease. Therefore, it has been classified as a Variant of Uncertain Significance. An algorithm developed to predict the effect of missense changes on protein structure and function (PolyPhen-2) suggests that this variant is likely to be disruptive. This variant has not been reported in the literature in individuals affected with ZNF469-related conditions. This variant is not present in population databases (gnomAD no frequency). This sequence change replaces proline, which is neutral and non-polar, with leucine, which is neutral and non-polar, at codon 1873 of the ZNF469 protein (p.Pro1873Leu).

NM_001367624.2(ZNF469):c.5702C>T (p.Pro1901Leu)

Gene: ZNF469 (zinc finger protein 469; plus strand). Cytogenetic location: 16q24.2.
Variant type: single nucleotide variant.
Coding change: c.5702C>T on transcript NM_001367624.2 (MANE Select); coding-DNA position 5702, C replaced by T.
Protein change: p.Pro1901Leu; replaces proline 1901 with leucine.
Molecular consequence: missense variant.
Genome position (GRCh38, 1-based): chr16:88,433,172, C>T. VCF-style: chr16-88433172-C-T. GRCh37 (hg19) VCF-style: chr16-88499580-C-T.
Other names: short protein forms P1901L.
Identifiers: ClinVar variation 2858445 (VCV002858445.3), dbSNP rs901947177, ClinGen allele CA397101868.